The following is an entry in ClinVar:

ClinVar aggregate classification (germline): Pathogenic. Review status: criteria provided, multiple submitters, no conflicts (2 of 4 stars). 6 submissions from 6 submitters: Pathogenic (5). 1 of the submissions does not count toward it. Last evaluated 2025-10-10.

Conditions:
PDCD10-related disorder. Also called: PDCD10-related condition.
Cerebral cavernous malformation 3. Also called: Familial Cerebral Cavernous Malformation 3. Identifiers: Orphanet 221061, MedGen C1864040, MONDO:0011305, OMIM 603285.

Allele frequency attached by ClinVar (database versions not stated): gnomAD 0.00001.
gnomAD v4.1: 1 of 1,613,268 alleles (0.000062%); highest among the groups gnomAD compares: Non-Finnish European, 0.000085%; no homozygotes.

Submissions (6):

Labcorp Genetics (formerly Invitae), Labcorp
Classification: Pathogenic for Cerebral cavernous malformation 3. Last evaluated: 2025-10-10. Review status: criteria provided, single submitter. Criteria: Invitae Variant Classification Sherloc (09022015). Collection method: clinical testing. Allele origin: germline.
Comment: This sequence change creates a premature translational stop signal (p.Arg95*) in the PDCD10 gene. It is expected to result in an absent or disrupted protein product. Loss-of-function variants in PDCD10 are known to be pathogenic (PMID: 15543491, 18300272, 23801932). This variant is not present in population databases (gnomAD no frequency). This premature translational stop signal has been observed in individual(s) with cerebral cavernous malformations (PMID: 16380626). ClinVar contains an entry for this variant (Variation ID: 590675). Algorithms developed to predict the effect of sequence changes on RNA splicing suggest that this variant may disrupt the consensus splice site. For these reasons, this variant has been classified as Pathogenic.

Blueprint Genetics
Classification: Pathogenic for PDCD10-related disorders. Last evaluated: 2024-11-21. Review status: criteria provided, single submitter. Criteria: ACMG Guidelines, 2015. Collection method: clinical testing. Allele origin: germline. Affected: yes. Observed: 1 variant allele.

GeneDx
Classification: Pathogenic. Last evaluated: 2024-03-22. Review status: criteria provided, single submitter. Criteria: GeneDx Variant Classification Process June 2021. Collection method: clinical testing. Allele origin: germline. Affected: yes.
Comment: Published functional studies demonstrate that the variant does not significantly produce cell loss in comparison to wild-type (PMID: 19246713); Identified in families with cerebral cavernous malformations in published literature (PMID: 36629374, 16380626); Nonsense variant predicted to result in protein truncation or nonsense mediated decay in a gene for which loss-of-function is a known mechanism of disease; Not observed at significant frequency in large population cohorts (gnomAD); This variant is associated with the following publications: (PMID: 16284570, 25525159, 19246713, 31254430, 30161288, 29787619, 25354366, 36629374, 16380626)

Laboratorio de Genetica e Diagnostico Molecular, Hospital Israelita Albert Einstein
Classification: Pathogenic for Cerebral cavernous malformation 3. Last evaluated: 2022-07-21. Review status: criteria provided, single submitter. Criteria: ACMG Guidelines, 2015. Collection method: clinical testing. Allele origin: germline. Affected: yes. Observed: 1 variant allele.
Comment: ACMG classification criteria: PVS1 very strong, PS4 strong, PM2 moderated

Clinical Genetics Laboratory, Skane University Hospital Lund
Classification: Pathogenic. Last evaluated: 2022-05-27. Review status: criteria provided, single submitter. Criteria: ACMG Guidelines, 2015. Collection method: clinical testing. Allele origin: germline. Affected: yes.

PreventionGenetics, part of Exact Sciences
Classification: Pathogenic for PDCD10-related condition. Last evaluated: 2024-04-17. Review status: no assertion criteria provided. Collection method: clinical testing. Allele origin: germline. Not counted in ClinVar's aggregate classification.
Comment: The PDCD10 c.283C>T variant is predicted to result in premature protein termination (p.Arg95*). This variant was reported in multiple individuals with cerebral cavernous malformation (CCM) (Table 1 in Guclu et al. 2005. PubMed ID: 16284570; Verlaan et al. 2005. PubMed ID: 16380626; Jih et al. 2018. PubMed ID: 29787619; Fusco et al. 2019. PubMed ID: 31254430). Functional studies of this variant are supportive of a damaging effect (Chen et al. 2009. PubMed ID: 19246713). This variant has not been reported in a large population database, indicating this variant is rare. Nonsense variants in PDCD10 are expected to be pathogenic. This variant is interpreted as pathogenic.

Literature cited by the submitters: PubMed 15543491 (cited by Labcorp Genetics (formerly Invitae), Labcorp); PubMed 18300272 (cited by Labcorp Genetics (formerly Invitae), Labcorp); PubMed 23801932 (cited by Labcorp Genetics (formerly Invitae), Labcorp); PubMed 16380626 (cited by Labcorp Genetics (formerly Invitae), Labcorp).

NM_007217.4(PDCD10):c.283C>T (p.Arg95Ter)

Gene: PDCD10 (programmed cell death 10; minus strand). Cytogenetic location: 3q26.1.
Variant type: single nucleotide variant.
Coding change: c.283C>T on transcript NM_007217.4 (MANE Select); coding-DNA position 283, C replaced by T.
Protein change: p.Arg95Ter; replaces arginine 95 with a stop codon.
Molecular consequence: nonsense.
Genome position (GRCh38, 1-based): chr3:167,695,708, G>A on the plus strand (C>T on the coding strand, the complement: PDCD10 is on the minus strand). VCF-style: chr3-167695708-G-A. GRCh37 (hg19) VCF-style: chr3-167413496-G-A.
Other names: c.283C>T (NM_145860.1); c.283C>T, p.Arg95Ter (NM_145859.2, NM_145860.2); short protein forms R95*.
Identifiers: ClinVar variation 590675 (VCV000590675.7), dbSNP rs1357917630, ClinGen allele CA355154642.